The following is an entry in ClinVar:

NM_004183.4(BEST1):c.190A>T (p.Lys64Ter)

Gene: BEST1 (bestrophin 1; plus strand). Cytogenetic location: 11q12.3.
Variant type: single nucleotide variant.
Coding change: c.190A>T on transcript NM_004183.4 (MANE Select); coding-DNA position 190, A replaced by T.
Protein change: p.Lys64Ter; replaces lysine 64 with a stop codon.
Molecular consequence: nonsense. On other transcripts: non-coding transcript variant (1).
Genome position (GRCh38, 1-based): chr11:61,955,144, A>T. VCF-style: chr11-61955144-A-T. GRCh37 (hg19) VCF-style: chr11-61722616-A-T.
Other names: c.10A>T, p.Lys4Ter (NM_001139443.3, NM_001300786.2, NM_001300787.2); c.190A>T, p.Lys64Ter (NM_001363592.2); short protein forms K4*, K64*.
Identifiers: ClinVar variation 1068677 (VCV001068677.7), dbSNP rs2134425489, ClinGen allele CA380833656.

ClinVar aggregate classification (germline): Pathogenic (1 of 4 stars; one submission).

Submission:

Labcorp Genetics (formerly Invitae), Labcorp
Classification: Pathogenic. Last evaluated: 2025-05-05. Review status: criteria provided, single submitter. Criteria: Invitae Variant Classification Sherloc (09022015). Collection method: clinical testing. Allele origin: germline.
Comment: This sequence change creates a premature translational stop signal (p.Lys64*) in the BEST1 gene. It is expected to result in an absent or disrupted protein product. Loss-of-function variants in BEST1 are known to be pathogenic (PMID: 21825197). This variant is not present in population databases (gnomAD no frequency). This variant has not been reported in the literature in individuals affected with BEST1-related conditions. ClinVar contains an entry for this variant (Variation ID: 1068677). For these reasons, this variant has been classified as Pathogenic.

Literature cited by the submitters: PubMed 21825197.